The following is an entry in ClinVar:

NM_000018.4(ACADVL):c.100G>A (p.Gly34Ser)

Genes: ACADVL (acyl-CoA dehydrogenase very long chain; plus strand), LOC130060113 (ATAC-STARR-seq lymphoblastoid silent region 8088; plus strand). Cytogenetic location: 17p13.1.
Variant type: single nucleotide variant.
Coding change: c.100G>A on transcript NM_000018.4 (MANE Select); coding-DNA position 100, G replaced by A.
Protein change: p.Gly34Ser; replaces glycine 34 with serine.
Molecular consequence: missense variant. On other transcripts: 5 prime UTR variant (1).
Genome position (GRCh38, 1-based): chr17:7,220,159, G>A. VCF-style: chr17-7220159-G-A. GRCh37 (hg19) VCF-style: chr17-7123478-G-A.
Other names: c.100G>A, p.Gly34Ser (NM_001033859.3); c.169G>A, p.Gly57Ser (NM_001270447.2); c.-129G>A (NM_001270448.2); short protein forms G34S, G57S.
Identifiers: ClinVar variation 641979 (VCV000641979.6), dbSNP rs781061205, ClinGen allele CA8337545.

ClinVar aggregate classification (germline): Uncertain significance (1 of 4 stars; one submission).

Conditions:
Very long chain acyl-CoA dehydrogenase deficiency (ACADVLD). Also called: VLCAD Deficiency; Very Long-Chain Acyl-Coenzyme A Dehydrogenase Deficiency. Identifiers: Orphanet 26793, MedGen C3887523, MONDO:0008723, OMIM 201475.

Allele frequency attached by ClinVar (database versions not stated): gnomAD 0.00001; TOPMed 0.00001; gnomAD exomes 0.00004; ExAC 0.00006.

Submission:

Labcorp Genetics (formerly Invitae), Labcorp
Classification: Uncertain significance for Very long chain acyl-CoA dehydrogenase deficiency. Last evaluated: 2022-05-28. Review status: criteria provided, single submitter. Criteria: Invitae Variant Classification Sherloc (09022015). Collection method: clinical testing. Allele origin: germline.
Comment: This sequence change replaces glycine, which is neutral and non-polar, with serine, which is neutral and polar, at codon 34 of the ACADVL protein (p.Gly34Ser). This variant is not present in population databases (gnomAD no frequency). This variant has not been reported in the literature in individuals affected with ACADVL-related conditions. ClinVar contains an entry for this variant (Variation ID: 641979). Algorithms developed to predict the effect of missense changes on protein structure and function output the following: SIFT: "Tolerated"; PolyPhen-2: "Not Available"; Align-GVGD: "Class C0". The serine amino acid residue is found in multiple mammalian species, which suggests that this missense change does not adversely affect protein function. In summary, the available evidence is currently insufficient to determine the role of this variant in disease. Therefore, it has been classified as a Variant of Uncertain Significance.